The following is an entry in ClinVar:

NM_000179.3(MSH6):c.685G>A (p.Glu229Lys)

Gene: MSH6 (mutS homolog 6; plus strand). Cytogenetic location: 2p16.3.
Variant type: single nucleotide variant.
Coding change: c.685G>A on transcript NM_000179.3 (MANE Select); coding-DNA position 685, G replaced by A.
Protein change: p.Glu229Lys; replaces glutamic acid 229 with lysine.
Molecular consequence: missense variant. On other transcripts: 5 prime UTR variant (2).
Genome position (GRCh38, 1-based): chr2:47,798,668, G>A. VCF-style: chr2-47798668-G-A. GRCh37 (hg19) VCF-style: chr2-48025807-G-A.
Other names: c.295G>A, p.Glu99Lys (NM_001281492.2); c.-222G>A (NM_001281493.2, NM_001281494.2); short protein forms E229K, E99K.
Identifiers: ClinVar variation 233867 (VCV000233867.12), dbSNP rs876660694, ClinGen allele CA10577257.

ClinVar aggregate classification (germline): Uncertain significance. Review status: criteria provided, multiple submitters, no conflicts (2 of 4 stars). 4 submissions from 4 submitters: Uncertain significance (4). Last evaluated 2025-10-01.

Conditions:
Hereditary nonpolyposis colorectal neoplasms. Identifiers: MedGen C0009405, MeSH D003123.
Hereditary cancer-predisposing syndrome. Also called: Neoplastic Syndromes, Hereditary; Tumor predisposition; Hereditary Cancer Syndrome; Hereditary neoplastic syndrome. Identifiers: Orphanet 140162, MedGen C0027672, MeSH D009386, MONDO:0015356.

Submissions (4):

Labcorp Genetics (formerly Invitae), Labcorp
Classification: Uncertain significance for Hereditary nonpolyposis colorectal neoplasms. Last evaluated: 2025-10-01. Review status: criteria provided, single submitter. Criteria: Invitae Variant Classification Sherloc (09022015). Collection method: clinical testing. Allele origin: germline.
Comment: This sequence change replaces glutamic acid, which is acidic and polar, with lysine, which is basic and polar, at codon 229 of the MSH6 protein (p.Glu229Lys). This variant is not present in population databases (gnomAD no frequency). This variant has not been reported in the literature in individuals affected with MSH6-related conditions. ClinVar contains an entry for this variant (Variation ID: 233867). Invitae Evidence Modeling of protein sequence and biophysical properties (such as structural, functional, and spatial information, amino acid conservation, physicochemical variation, residue mobility, and thermodynamic stability) indicates that this missense variant is not expected to disrupt MSH6 protein function with a negative predictive value of 95%. In summary, the available evidence is currently insufficient to determine the role of this variant in disease. Therefore, it has been classified as a Variant of Uncertain Significance.

Ambry Genetics
Classification: Uncertain significance for Hereditary cancer-predisposing syndrome. Last evaluated: 2025-01-02. Review status: criteria provided, single submitter. Criteria: Ambry Variant Classification Scheme 2023. Collection method: clinical testing. Allele origin: germline.
Comment: The p.E229K variant (also known as c.685G>A), located in coding exon 4 of the MSH6 gene, results from a G to A substitution at nucleotide position 685. The glutamic acid at codon 229 is replaced by lysine, an amino acid with similar properties. This amino acid position is not well conserved in available vertebrate species. In addition, the in silico prediction for this alteration is inconclusive. Based on the available evidence, the clinical significance of this variant remains unclear.

Color Diagnostics, LLC DBA Color Health
Classification: Uncertain significance for Hereditary cancer-predisposing syndrome. Last evaluated: 2024-08-19. Review status: criteria provided, single submitter. Criteria: ACMG Guidelines, 2015. Collection method: clinical testing. Allele origin: germline.
Comment: This missense variant replaces glutamic acid with lysine at codon 229 of the MSH6 protein. Computational prediction suggests that this variant may not impact protein structure and function (internally defined REVEL score threshold <= 0.5, PMID: 27666373). To our knowledge, functional studies have not been reported for this variant. This variant has not been reported in individuals affected with MSH6-related disorders in the literature. This variant has not been identified in the general population by the Genome Aggregation Database (gnomAD). The available evidence is insufficient to determine the role of this variant in disease conclusively. Therefore, this variant is classified as a Variant of Uncertain Significance.

GeneDx
Classification: Uncertain significance. Last evaluated: 2016-03-07. Review status: criteria provided, single submitter. Criteria: GeneDx Variant Classification (06012015). Collection method: clinical testing. Allele origin: germline. Affected: yes.
Comment: This variant is denoted MSH6 c.685G>A at the cDNA level, p.Glu229Lys (E229K) at the protein level, and results in the change of a Glutamic Acid to a Lysine (GAG>AAG). This variant has not, to our knowledge, been published in the literature as pathogenic or benign. MSH6 Glu229Lys was not observed in approximately 6,500 individuals of European and African American ancestry in the NHLBI Exome Sequencing Project, indicating it is not a common benign variant in these populations. Since Glutamic Acid and Lysine differ in polarity, charge, size or other properties, this is considered a non-conservative amino acid substitution. MSH6 Glu229Lys occurs at a position that is conserved in mammals and is not located in a known functional domain (Kariola 2002). In silico analyses are inconsistent regarding the effect this variant may have on protein structure and function. Based on currently available information, it is unclear whether MSH6 Glu229Lys is pathogenic or benign. We consider it to be a variant of uncertain significance.